The following is an entry in ClinVar:

ClinVar aggregate classification (germline): Uncertain significance. Review status: criteria provided, multiple submitters, no conflicts (2 of 4 stars). 2 submissions from 2 submitters: Uncertain significance (2). Last evaluated 2025-06-24.

Conditions:
Epilepsy, familial focal, with variable foci 3 (FFEVF3). Identifiers: MONDO:0014925, OMIM 617118, MedGen C4310708.

Allele frequency attached by ClinVar (database versions not stated): gnomAD exomes below 0.00001.

Submissions (2):

Dasa
Classification: Uncertain significance. Last evaluated: 2025-06-24. Review status: criteria provided, single submitter. Criteria: DASA Assertion Criteria. Collection method: clinical testing. Allele origin: germline.
Comment: NM_001077350.3(NPRL3):c.924+3A>G is a splice-region variant predicted to affect normal RNA splicing. This variant affects a splice-region context with prior evidence supporting clinical relevance. This variant is rare in population databases. Computational prediction algorithms are consistent with a deleterious effect. The currently available literature and clinical evidence are not sufficient to establish a definitive association between this variant and the reported condition. Therefore, this variant is classified as a variant of uncertain significance.

Labcorp Genetics (formerly Invitae), Labcorp
Classification: Uncertain significance for Epilepsy, familial focal, with variable foci 3. Last evaluated: 2022-08-20. Review status: criteria provided, single submitter. Criteria: Invitae Variant Classification Sherloc (09022015). Collection method: clinical testing. Allele origin: germline.
Comment: This variant is not present in population databases (gnomAD no frequency). This sequence change falls in intron 9 of the NPRL3 gene. It does not directly change the encoded amino acid sequence of the NPRL3 protein. It affects a nucleotide within the consensus splice site. This variant has not been reported in the literature in individuals affected with NPRL3-related conditions. In summary, the available evidence is currently insufficient to determine the role of this variant in disease. Therefore, it has been classified as a Variant of Uncertain Significance. Variants that disrupt the consensus splice site are a relatively common cause of aberrant splicing (PMID: 17576681, 9536098). Algorithms developed to predict the effect of sequence changes on RNA splicing suggest that this variant may disrupt the consensus splice site.

Literature cited by the submitters: PubMed 17576681 (cited by Labcorp Genetics (formerly Invitae), Labcorp); PubMed 9536098 (cited by Labcorp Genetics (formerly Invitae), Labcorp).

NM_001077350.3(NPRL3):c.924+3A>G

Genes: HBA-LCR (alpha-globin locus control region; plus strand), NPRL3 (NPR3 like, GATOR1 complex subunit; minus strand). Cytogenetic location: 16p13.3.
Variant type: single nucleotide variant.
Coding change: c.924+3A>G on transcript NM_001077350.3 (MANE Select); 3 bases into the intron after coding-DNA position 924, A replaced by G.
Molecular consequence: intron variant.
Genome position (GRCh38, 1-based): chr16:98,142, T>C on the plus strand (A>G on the coding strand, the complement: NPRL3 is on the minus strand). VCF-style: chr16-98142-T-C. GRCh37 (hg19) VCF-style: chr16-148140-T-C.
Other names: c.690+3A>G (NM_001243247.2); c.849+3A>G (NM_001243248.2, NM_001243249.2); c.387+3A>G (NM_001039476.3).
Identifiers: ClinVar variation 2086505 (VCV002086505.6), dbSNP rs2542826094, ClinGen allele CA2580092047.